The following is an entry in ClinVar:

ClinVar aggregate classification (germline): Uncertain significance (1 of 4 stars; one submission).

Conditions:
RASopathy. Also called: rasopathies; Noonan spectrum disorder. Identifiers: Orphanet 536391, MedGen C5555857, MONDO:0021060.

gnomAD v4.1: 1 of 1,613,894 alleles (0.000062%); highest among the groups gnomAD compares: South Asian, 0.0011%; no homozygotes.

Submission:

Labcorp Genetics (formerly Invitae), Labcorp
Classification: Uncertain significance for RASopathy. Last evaluated: 2024-06-30. Review status: criteria provided, single submitter. Criteria: Invitae Variant Classification Sherloc (09022015). Collection method: clinical testing. Allele origin: germline.
Comment: This sequence change replaces glutamine, which is neutral and polar, with histidine, which is basic and polar, at codon 90 of the MAP2K2 protein (p.Gln90His). This variant is not present in population databases (gnomAD no frequency). This variant has not been reported in the literature in individuals affected with MAP2K2-related conditions. Advanced modeling of protein sequence and biophysical properties (such as structural, functional, and spatial information, amino acid conservation, physicochemical variation, residue mobility, and thermodynamic stability) performed at Invitae indicates that this missense variant is not expected to disrupt MAP2K2 protein function with a negative predictive value of 95%. In summary, the available evidence is currently insufficient to determine the role of this variant in disease. Therefore, it has been classified as a Variant of Uncertain Significance.

NM_030662.4(MAP2K2):c.270G>T (p.Gln90His)

Gene: MAP2K2 (mitogen-activated protein kinase kinase 2; minus strand). Cytogenetic location: 19p13.3.
Variant type: single nucleotide variant.
Coding change: c.270G>T on transcript NM_030662.4 (MANE Select); coding-DNA position 270, G replaced by T.
Protein change: p.Gln90His; replaces glutamine 90 with histidine.
Molecular consequence: missense variant.
Genome position (GRCh38, 1-based): chr19:4,117,452, C>A on the plus strand (G>T on the coding strand, the complement: MAP2K2 is on the minus strand). VCF-style: chr19-4117452-C-A. GRCh37 (hg19) VCF-style: chr19-4117450-C-A.
Other names: short protein forms Q90H.
Identifiers: ClinVar variation 2877848 (VCV002877848.3), dbSNP rs2145079852, ClinGen allele CA403392460.